The following is an entry in ClinVar:

NM_032043.3(BRIP1):c.1603_1606del (p.Asp535fs)

Gene: BRIP1 (BRCA1 interacting DNA helicase 1; minus strand). Cytogenetic location: 17q23.2.
Variant type: Deletion.
Coding change: c.1603_1606del on transcript NM_032043.3 (MANE Select); coding-DNA positions 1603 to 1606, 4 bases deleted (GACT; older notation c.1603_1606delGACT).
Protein change: p.Asp535fs; shifts the reading frame from aspartic acid 535.
Molecular consequence: frameshift variant.
Genome position (GRCh38, 1-based): chr17:61,784,292-61,784,295, AGTC deleted on the plus strand (GACT on the coding strand, the reverse complement: BRIP1 is on the minus strand); deleting any 4 consecutive bases within chr17:61,784,292-61,784,296 gives the same sequence; the c. name uses the placement nearest the transcript's 3' end. VCF-style (leftmost placement, unchanged base first): chr17-61784291-TAGTC-T. GRCh37 (hg19) VCF-style: chr17-59861652-TAGTC-T.
Other names: short protein forms D535fs.
Identifiers: ClinVar variation 1352498 (VCV001352498.7), dbSNP rs2145135739, ClinGen allele CA2573154319.
Genomic context (GRCh38, chr17:61,784,291, plus strand): 5'-TTTTTAAAAGGAAAATACATACTAGTTATCTTCACTTACCTGCTATTTTGCCTAAAAAGA[TAGTC>T]AAGTACCATAAAAAGTCCTTTAAGCATTATTTGAGTTGATGCACTAATAACAGGTACTTC-3'

ClinVar aggregate classification (germline): Pathogenic (1 of 4 stars; one submission).

Conditions:
Familial cancer of breast. Also called: BREAST CANCER, FAMILIAL; hereditary breast carcinoma; Hereditary breast cancer. Identifiers: Orphanet 227535, MedGen C0346153, MONDO:0016419, OMIM 114480. Disease mechanism: loss of function.
Fanconi anemia complementation group J. Also called: BRIP1-Related Fanconi Anemia. Identifiers: Orphanet 84, MedGen C1836860, MONDO:0012187, OMIM 609054.

Submission:

Labcorp Genetics (formerly Invitae), Labcorp
Classification: Pathogenic for Familial cancer of breast; Fanconi anemia complementation group J. Last evaluated: 2021-08-02. Review status: criteria provided, single submitter. Criteria: Invitae Variant Classification Sherloc (09022015). Collection method: clinical testing. Allele origin: germline.
Comment: This variant has not been reported in the literature in individuals affected with BRIP1-related conditions. For these reasons, this variant has been classified as Pathogenic. This variant is not present in population databases (ExAC no frequency). This sequence change creates a premature translational stop signal (p.Asp535Ilefs*54) in the BRIP1 gene. It is expected to result in an absent or disrupted protein product. Loss-of-function variants in BRIP1 are known to be pathogenic (PMID: 16116423, 17033622, 21964575).

Literature cited by the submitters: PubMed 16116423; PubMed 17033622; PubMed 21964575.